The following is an entry in ClinVar:

ClinVar aggregate classification (germline): Pathogenic (1 of 4 stars; one submission).

Conditions:
Senior-Loken syndrome 8 (SLSN8). Identifiers: Orphanet 3156, MedGen C4225376, MONDO:0014579, OMIM 616307.
Asphyxiating thoracic dystrophy 5 (SRTD5). Also called: SHORT-RIB THORACIC DYSPLASIA 5 WITH OR WITHOUT POLYDACTYLY; SHORT-RIB THORACIC DYSPLASIA 5 WITHOUT POLYDACTYLY. Identifiers: Orphanet 474, MedGen C3280598, MONDO:0013717, OMIM 614376.

Submission:

Labcorp Genetics (formerly Invitae), Labcorp
Classification: Pathogenic for Senior-Loken syndrome 8; Asphyxiating thoracic dystrophy 5. Last evaluated: 2025-06-02. Review status: criteria provided, single submitter. Criteria: Invitae Variant Classification Sherloc (09022015). Collection method: clinical testing. Allele origin: germline.
Comment: This sequence change creates a premature translational stop signal (p.Lys275*) in the WDR19 gene. It is expected to result in an absent or disrupted protein product. Loss-of-function variants in WDR19 are known to be pathogenic (PMID: 22019273, 23559409, 23683095, 26275793, 27241786, 29068549). This variant is not present in population databases (gnomAD no frequency). This variant has not been reported in the literature in individuals affected with WDR19-related conditions. For these reasons, this variant has been classified as Pathogenic.

Literature cited by the submitters: PubMed 22019273; PubMed 23559409; PubMed 23683095; PubMed 26275793; PubMed 27241786; PubMed 29068549.

NM_025132.4(WDR19):c.822dup (p.Lys275Ter)

Gene: WDR19 (WD repeat domain 19; plus strand). Cytogenetic location: 4p14.
Variant type: Duplication.
Coding change: c.822dup on transcript NM_025132.4 (MANE Select); coding-DNA position 822, one base duplicated (T; older notation c.822dupT).
Protein change: p.Lys275Ter; replaces lysine 275 with a stop codon.
Molecular consequence: nonsense.
Genome position (GRCh38, 1-based): chr4:39,205,668, T duplicated. VCF-style (leftmost placement, unchanged base first): chr4-39205667-A-AT. GRCh37 (hg19) VCF-style: chr4-39207287-A-AT.
Other names: c.342dup, p.Lys115Ter (NM_001317924.2); short protein forms K275*, K115*.
Identifiers: ClinVar variation 4785161 (VCV004785161.1).
Genomic context (GRCh38, chr4:39,205,667, plus strand): 5'-TTGTGGTCATTTCTACTCATACTGGAGAGCTTGGTCAAGAGATATTTCAGGCTCGTAACC[A>AT]TAAAGATAATCTAACCAGCATTGCAGTATCACAGACTCTTAACAAAGTTGCTACATGTGG-3'